The following is an entry in ClinVar:

NM_005515.4(MNX1):c.386_387insAGCCGCCGCCGCCGC (p.Ala134_Gly135insAlaAlaAlaAlaAla)

Gene: MNX1 (motor neuron and pancreas homeobox 1; minus strand). Cytogenetic location: 7q36.3.
Variant type: Microsatellite.
Coding change: c.386_387insAGCCGCCGCCGCCGC on transcript NM_005515.4 (MANE Select); coding-DNA positions 386 to 387, AGCCGCCGCCGCCGC inserted.
Protein change: p.Ala134_Gly135insAlaAlaAlaAlaAla.
Molecular consequence: inframe insertion.
Genome position: GRCh38 VCF-style: chr7-157009964-G-GGCGGCGGCGGCGGCT. GRCh37 (hg19) VCF-style: chr7-156802658-G-GGCGGCGGCGGCGGCT.
Identifiers: ClinVar variation 2089671 (VCV002089671.4), dbSNP rs1284692116.

ClinVar aggregate classification (germline): Uncertain significance (1 of 4 stars; one submission).

Submission:

Labcorp Genetics (formerly Invitae), Labcorp
Classification: Uncertain significance. Last evaluated: 2024-02-24. Review status: criteria provided, single submitter. Criteria: Invitae Variant Classification Sherloc (09022015). Collection method: clinical testing. Allele origin: germline.
Comment: This variant, c.386_387insAGCCGCCGCCGCCGC, results in the insertion of 5 amino acid(s) of the MNX1 protein (p.Ala130_Ala134dup), but otherwise preserves the integrity of the reading frame. The frequency data for this variant in the population databases is considered unreliable, as metrics indicate poor data quality at this position in the gnomAD database. This variant has not been reported in the literature in individuals affected with MNX1-related conditions. Experimental studies and prediction algorithms are not available or were not evaluated, and the functional significance of this variant is currently unknown. In summary, the available evidence is currently insufficient to determine the role of this variant in disease. Therefore, it has been classified as a Variant of Uncertain Significance.